The following is an entry in ClinVar:

NM_001374828.1(ARID1B):c.2762-3_2762-2delinsAG

Gene: ARID1B (AT-rich interaction domain 1B; plus strand). Cytogenetic location: 6q25.3.
Variant type: Indel.
Coding change: c.2762-3_2762-2delinsAG on transcript NM_001374828.1 (MANE Select); 3 bases into the intron before coding-DNA position 2762 through the canonical splice acceptor site of the intron before coding-DNA position 2762, TA replaced by AG.
Molecular consequence: splice acceptor variant.
Genome position (GRCh38, 1-based): chr6:157,148,621-157,148,622, TA replaced by AG. VCF-style: chr6-157148621-TA-AG. GRCh37 (hg19) VCF-style: chr6-157469755-TA-AG.
Other names: c.2762-3_2762-2delinsAG (NM_017519.3); c.263-3_263-2delinsAG (NM_001363725.2); c.2801-3_2801-2delinsAG (NM_001371656.1, NM_001374820.1).
Identifiers: ClinVar variation 2664992 (VCV002664992.2), dbSNP rs2537883228, ClinGen allele CA2695198382.

ClinVar aggregate classification (germline): Likely pathogenic (1 of 4 stars; one submission).

Conditions:
Coffin-Siris syndrome 1 (CSS1). Also called: Mental retardation, autosomal dominant 12; ARID1B-Related Coffin-Siris Syndrome. Identifiers: Orphanet 1465, MedGen C3281201, MONDO:0007617, OMIM 135900. Disease mechanism: gain of function.

Submission:

Institute of Human Genetics, University of Leipzig Medical Center
Classification: Likely pathogenic for Coffin-Siris syndrome 1. Last evaluated: 2023-11-14. Review status: criteria provided, single submitter. Criteria: ACMG Guidelines, 2015. Collection method: clinical testing. Allele origin: unknown. Inheritance: Autosomal dominant inheritance. Affected: yes.
Comment: Criteria applied: PVS1,PM2_SUP